The following is an entry in ClinVar:

ClinVar aggregate classification (germline): Uncertain significance. Review status: criteria provided, multiple submitters, no conflicts (2 of 4 stars). 4 submissions from 4 submitters: Uncertain significance (4). Last evaluated 2026-02-25.

Conditions:
IFT172-related disorder. Also called: IFT172-related disorders; IFT172-related condition.
Retinitis pigmentosa 71 (RP71). Identifiers: Orphanet 791, MedGen C4225342, MONDO:0014618, OMIM 616394.
Short-rib thoracic dysplasia 10 with or without polydactyly (SRTD10). Identifiers: Orphanet 474, MedGen C3810175, MONDO:0014284, OMIM 615630.
Inborn genetic diseases. Identifiers: MedGen C0950123, MeSH D030342.

Allele frequency attached by ClinVar (database versions not stated): ExAC 0.00002; gnomAD exomes 0.00002.
gnomAD v4.1: 44 of 1,613,608 alleles (0.0027%); highest among the groups gnomAD compares: South Asian, 0.0088%; no homozygotes.

Submissions (4):

PreventionGenetics, part of Exact Sciences
Classification: Uncertain significance for IFT172-related condition. Last evaluated: 2026-02-25. Review status: criteria provided, single submitter. Criteria: ACMG Guidelines, 2015. Collection method: clinical testing. Allele origin: germline.
Comment: The IFT172 c.4136G>A variant is predicted to result in the amino acid substitution p.Arg1379His. To our knowledge, this variant has not been reported in the literature. This variant is reported in 0.0087% of alleles in individuals of Latino descent in gnomAD. At this time, the clinical significance of this variant is uncertain due to the absence of conclusive functional and genetic evidence.

Ambry Genetics
Classification: Uncertain significance for Inborn genetic diseases. Last evaluated: 2025-08-14. Review status: criteria provided, single submitter. Criteria: Ambry Variant Classification Scheme 2023. Collection method: clinical testing. Allele origin: germline.

Labcorp Genetics (formerly Invitae), Labcorp
Classification: Uncertain significance for Retinitis pigmentosa 71; Short-rib thoracic dysplasia 10 with or without polydactyly. Last evaluated: 2025-03-03. Review status: criteria provided, single submitter. Criteria: Invitae Variant Classification Sherloc (09022015). Collection method: clinical testing. Allele origin: germline.
Comment: This sequence change replaces arginine, which is basic and polar, with histidine, which is basic and polar, at codon 1379 of the IFT172 protein (p.Arg1379His). This variant is present in population databases (rs772212247, gnomAD 0.009%). This variant has not been reported in the literature in individuals affected with IFT172-related conditions. ClinVar contains an entry for this variant (Variation ID: 1396457). Invitae Evidence Modeling of protein sequence and biophysical properties (such as structural, functional, and spatial information, amino acid conservation, physicochemical variation, residue mobility, and thermodynamic stability) indicates that this missense variant is not expected to disrupt IFT172 protein function with a negative predictive value of 95%. In summary, the available evidence is currently insufficient to determine the role of this variant in disease. Therefore, it has been classified as a Variant of Uncertain Significance.

Blueprint Genetics
Classification: Uncertain significance. Last evaluated: 2024-11-12. Review status: criteria provided, single submitter. Criteria: ACMG Guidelines, 2015. Collection method: clinical testing. Allele origin: germline.

NM_015662.3(IFT172):c.4136G>A (p.Arg1379His)

Gene: IFT172 (intraflagellar transport 172; minus strand). Cytogenetic location: 2p23.3.
Variant type: single nucleotide variant.
Coding change: c.4136G>A on transcript NM_015662.3 (MANE Select); coding-DNA position 4136, G replaced by A.
Protein change: p.Arg1379His; replaces arginine 1379 with histidine.
Molecular consequence: missense variant.
Genome position (GRCh38, 1-based): chr2:27,449,715, C>T on the plus strand (G>A on the coding strand, the complement: IFT172 is on the minus strand). VCF-style: chr2-27449715-C-T. GRCh37 (hg19) VCF-style: chr2-27672582-C-T.
Other names: c.4136G>A (NM_015662.1, NM_015662.2); short protein forms R1379H.
Identifiers: ClinVar variation 1396457 (VCV001396457.9), dbSNP rs772212247, ClinGen allele CA1579713.
Genomic context (GRCh38, chr2:27,449,715, plus strand): 5'-AGAGAATTTCGCAGTAAGAAGGGGTTACAAGCTTACCTGGGATCTAACTCCTTAGCTACA[C>T]GCTTCGCCTTGTTCCACTCCTCACCCTCGATGAAAGCATCGATTGCTTCCTTGACAAGGT-3'
Protein context (NP_056477.1, residues 1369-1389): IEGEEWNKAK[Arg1379His]VAKELDPRYE